The following is an entry in ClinVar:

ClinVar aggregate classification (germline): Likely benign (1 of 4 stars; one submission).

Conditions:
PLXNA3-related disorder. Also called: PLXNA3-related condition.

gnomAD v4.1: 2 of 1,205,255 alleles (0.00017%); highest among the groups gnomAD compares: Admixed American, 0.0022%; no homozygotes.

Submission:

PreventionGenetics, part of Exact Sciences
Classification: Likely benign for PLXNA3-related condition. Last evaluated: 2025-05-22. Review status: criteria provided, single submitter. Criteria: ACMG Guidelines, 2015. Collection method: clinical testing. Allele origin: germline.
Comment: This variant is classified as likely benign based on ACMG/AMP sequence variant interpretation guidelines (Richards et al. 2015 PMID: 25741868, with internal and published modifications).

NM_017514.5(PLXNA3):c.1200G>C (p.Val400=)

Gene: PLXNA3 (plexin A3; plus strand). Cytogenetic location: Xq28.
Variant type: single nucleotide variant.
Coding change: c.1200G>C on transcript NM_017514.5 (MANE Select); coding-DNA position 1200, G replaced by C.
Protein change: p.Val400=; no amino-acid change (valine 400 retained).
Molecular consequence: synonymous variant.
Genome position (GRCh38, 1-based): chrX:154,462,193, G>C. VCF-style: chrX-154462193-G-C. GRCh37 (hg19) VCF-style: chrX-153690533-G-C.
Identifiers: ClinVar variation 4986592 (VCV004986592.1).